The following is an entry in ClinVar:

NM_022464.5(SIL1):c.646-230T>C

Gene: SIL1 (SIL1 nucleotide exchange factor; minus strand). Cytogenetic location: 5q31.2.
Variant type: single nucleotide variant.
Coding change: c.646-230T>C on transcript NM_022464.5 (MANE Select); 230 bases into the intron before coding-DNA position 646, T replaced by C.
Molecular consequence: intron variant.
Genome position (GRCh38, 1-based): chr5:139,021,522, A>G on the plus strand (T>C on the coding strand, the complement: SIL1 is on the minus strand). VCF-style: chr5-139021522-A-G. GRCh37 (hg19) VCF-style: chr5-138357211-A-G.
Other names: c.646-230T>C (NM_001037633.2).
Identifiers: ClinVar variation 670081 (VCV000670081.1), dbSNP rs3749665, ClinGen allele CA12037573.

ClinVar aggregate classification (germline): Benign (1 of 4 stars; one submission).

Allele frequency attached by ClinVar (database versions not stated): 1000 Genomes Project 0.43930; 1000 Genomes Project 30x 0.44909; gnomAD 0.47152 and 0.48252; TOPMed 0.48077.
gnomAD v4.1: 71,491 of 152,090 alleles (47%); highest among the groups gnomAD compares: African/African-American, 76%; 19,233 homozygotes.

Submission:

GeneDx
Classification: Benign. Last evaluated: 2018-06-14. Review status: criteria provided, single submitter. Criteria: GeneDx Variant Classification (06012015). Collection method: clinical testing. Allele origin: germline. Affected: yes.
Comment: This variant is considered likely benign or benign based on one or more of the following criteria: it is a conservative change, it occurs at a poorly conserved position in the protein, it is predicted to be benign by multiple in silico algorithms, and/or has population frequency not consistent with disease.